The following is an entry in ClinVar:

ClinVar aggregate classification (germline): Uncertain significance. Review status: criteria provided, multiple submitters, no conflicts (2 of 4 stars). 2 submissions from 2 submitters: Uncertain significance (2). Last evaluated 2025-08-15.

Conditions:
Inborn genetic diseases. Identifiers: MedGen C0950123, MeSH D030342.

Allele frequency attached by ClinVar (database versions not stated): gnomAD exomes below 0.00001; TOPMed below 0.00001; gnomAD 0.00001.
gnomAD v4.1: 4 of 1,556,814 alleles (0.00026%); highest among the groups gnomAD compares: African/African-American, 0.0027%; no homozygotes.

Submissions (2):

Labcorp Genetics (formerly Invitae), Labcorp
Classification: Uncertain significance. Last evaluated: 2025-08-15. Review status: criteria provided, single submitter. Criteria: Invitae Variant Classification Sherloc (09022015). Collection method: clinical testing. Allele origin: germline.
Comment: This sequence change replaces aspartic acid, which is acidic and polar, with asparagine, which is neutral and polar, at codon 302 of the ERCC2 protein (p.Asp302Asn). This variant is not present in population databases (gnomAD no frequency). This variant has not been reported in the literature in individuals affected with ERCC2-related conditions. ClinVar contains an entry for this variant (Variation ID: 1479626). Invitae Evidence Modeling of protein sequence and biophysical properties (such as structural, functional, and spatial information, amino acid conservation, physicochemical variation, residue mobility, and thermodynamic stability) indicates that this missense variant is not expected to disrupt ERCC2 protein function with a negative predictive value of 80%. In summary, the available evidence is currently insufficient to determine the role of this variant in disease. Therefore, it has been classified as a Variant of Uncertain Significance.

Ambry Genetics
Classification: Uncertain significance for Inborn genetic diseases. Last evaluated: 2024-06-27. Review status: criteria provided, single submitter. Criteria: Ambry Variant Classification Scheme 2023. Collection method: clinical testing. Allele origin: germline.
Comment: The p.D302N variant (also known as c.904G>A), located in coding exon 10 of the ERCC2 gene, results from a G to A substitution at nucleotide position 904. The aspartic acid at codon 302 is replaced by asparagine, an amino acid with highly similar properties. This amino acid position is conserved. In addition, this alteration is predicted to be tolerated by in silico analysis. Based on the available evidence, the clinical significance of this variant remains unclear.

NM_000400.4(ERCC2):c.904G>A (p.Asp302Asn)

Gene: ERCC2 (ERCC excision repair 2, TFIIH core complex helicase subunit; minus strand). Cytogenetic location: 19q13.32.
Variant type: single nucleotide variant.
Coding change: c.904G>A on transcript NM_000400.4 (MANE Select); coding-DNA position 904, G replaced by A.
Protein change: p.Asp302Asn; replaces aspartic acid 302 with asparagine.
Molecular consequence: missense variant.
Genome position (GRCh38, 1-based): chr19:45,364,031, C>T on the plus strand (G>A on the coding strand, the complement: ERCC2 is on the minus strand). VCF-style: chr19-45364031-C-T. GRCh37 (hg19) VCF-style: chr19-45867289-C-T.
Other names: c.904G>A (NM_000400.3); c.832G>A, p.Asp278Asn (NM_001130867.2); short protein forms D278N, D302N.
Identifiers: ClinVar variation 1479626 (VCV001479626.9), dbSNP rs1972328596, ClinGen allele CA406373475.
Genomic context (GRCh38, chr19:45,364,031, plus strand): 5'-GGGGTCGGGGCTCACCCTGCAGCACTTCGTCGGGCAGCACGGGGTTGGCCAGGTGGGCGT[C>T]CGTCTCCCGGGCGGCGCTGGCCTCCCGCAGCCCCTCCACCAGACGCCGGTACTCGTCCCG-3'
Protein context (NP_000391.1, residues 292-312): LREASAARET[Asp302Asn]AHLANPVLPD